The following is an entry in ClinVar:

ClinVar aggregate classification (germline): Conflicting classifications of pathogenicity. Review status: criteria provided, conflicting classifications (1 of 4 stars). 2 submissions from 2 submitters: Likely pathogenic (1); Uncertain significance (1). Last evaluated 2024-01-19.

Conditions:
Ornithine carbamoyltransferase deficiency (OTCD). Also called: ORNITHINE TRANSCARBAMYLASE DEFICIENCY; ORNITHINE TRANSCARBAMYLASE DEFICIENCY, HYPERAMMONEMIA DUE TO; OTC DEFICIENCY; Ornithine Carbamoyltransferase Deficiency Disease. Identifiers: Orphanet 664, MedGen C0268542, MONDO:0010703, OMIM 311250.

Submissions (2):

GeneDx
Classification: Likely pathogenic. Last evaluated: 2024-01-19. Review status: criteria provided, single submitter. Criteria: GeneDx Variant Classification Process June 2021. Collection method: clinical testing. Allele origin: germline. Affected: yes.
Comment: Not observed at significant frequency in large population cohorts (gnomAD); In silico analysis supports that this missense variant has a deleterious effect on protein structure/function; In addition, in silico splice predictors suggest this variant may lead to abnormal gene splicing; Has not been previously published as pathogenic or benign to our knowledge

Revvity Omics, Revvity
Classification: Uncertain significance for Ornithine carbamoyltransferase deficiency. Last evaluated: 2023-07-25. Review status: criteria provided, single submitter. Criteria: ACMG Guidelines, 2015. Collection method: clinical testing. Allele origin: germline.

NM_000531.6(OTC):c.494A>G (p.Asp165Gly)

Gene: OTC (ornithine transcarbamylase; plus strand). Cytogenetic location: Xp11.4.
Variant type: single nucleotide variant.
Coding change: c.494A>G on transcript NM_000531.6 (MANE Select); coding-DNA position 494, A replaced by G.
Protein change: p.Asp165Gly; replaces aspartic acid 165 with glycine.
Molecular consequence: missense variant.
Genome position (GRCh38, 1-based): chrX:38,401,382, A>G. VCF-style: chrX-38401382-A-G. GRCh37 (hg19) VCF-style: chrX-38260635-A-G.
Other names: short protein forms D165G.
Identifiers: ClinVar variation 452381 (VCV000452381.7), dbSNP rs1555975685, ClinGen allele CA412723703.